The following is an entry in ClinVar:

ClinVar aggregate classification (germline): Uncertain significance. Review status: criteria provided, multiple submitters, no conflicts (2 of 4 stars). 2 submissions from 2 submitters: Uncertain significance (2). Last evaluated 2025-06-01.

Conditions:
Cardiovascular phenotype. Identifiers: MedGen CN230736.

gnomAD v4.1: 36 of 1,550,290 alleles (0.0023%); highest among the groups gnomAD compares: East Asian, 0.086%; no homozygotes.

Submissions (2):

Ambry Genetics
Classification: Uncertain significance for Cardiovascular phenotype. Last evaluated: 2025-06-01. Review status: criteria provided, single submitter. Criteria: Ambry Variant Classification Scheme 2023. Collection method: clinical testing. Allele origin: germline.
Comment: The p.A2362T variant (also known as c.7084G>A), located in coding exon 2 of the ZNF469 gene, results from a G to A substitution at nucleotide position 7084. The alanine at codon 2362 is replaced by threonine, an amino acid with similar properties. This amino acid position is conserved. In addition, this alteration is predicted to be tolerated by in silico analysis. Based on the available evidence, the clinical significance of this variant remains unclear.

GeneDx
Classification: Uncertain significance. Last evaluated: 2023-11-07. Review status: criteria provided, single submitter. Criteria: GeneDx Variant Classification Process June 2021. Collection method: clinical testing. Allele origin: germline. Affected: yes.
Comment: Not observed at significant frequency in large population cohorts (gnomAD); In silico analysis supports that this missense variant does not alter protein structure/function; Has not been previously published as pathogenic or benign to our knowledge

NM_001367624.2(ZNF469):c.7168G>A (p.Ala2390Thr)

Gene: ZNF469 (zinc finger protein 469; plus strand). Cytogenetic location: 16q24.2.
Variant type: single nucleotide variant.
Coding change: c.7168G>A on transcript NM_001367624.2 (MANE Select); coding-DNA position 7168, G replaced by A.
Protein change: p.Ala2390Thr; replaces alanine 2390 with threonine.
Molecular consequence: missense variant.
Genome position (GRCh38, 1-based): chr16:88,434,638, G>A. VCF-style: chr16-88434638-G-A. GRCh37 (hg19) VCF-style: chr16-88501046-G-A.
Other names: NM_001127464.1:c.7084G>A; short protein forms A2390T.
Identifiers: ClinVar variation 3363806 (VCV003363806.2).